The following is an entry in ClinVar:

ClinVar aggregate classification (germline): Conflicting classifications of pathogenicity. Review status: criteria provided, conflicting classifications (1 of 4 stars). 12 submissions from 12 submitters: Uncertain significance (10); Likely benign (1). 1 of the submissions does not count toward it. Last evaluated 2026-01-26.

Conditions:
Hereditary nonpolyposis colorectal neoplasms. Identifiers: MedGen C0009405, MeSH D003123.
Hereditary cancer-predisposing syndrome. Also called: Neoplastic Syndromes, Hereditary; Hereditary Cancer Syndrome; Tumor predisposition; Hereditary neoplastic syndrome. Identifiers: Orphanet 140162, MedGen C0027672, MeSH D009386, MONDO:0015356.
Lynch syndrome. Identifiers: Orphanet 144, MedGen C4552100, MONDO:0005835. Disease mechanism: loss of function.
Lynch syndrome 5 (LYNCH5). Also called: Colorectal cancer, hereditary nonpolyposis, type 5; Hereditary non-polyposis colorectal cancer, type 5. Identifiers: Orphanet 144, MedGen C1833477, MONDO:0013710, OMIM 614350. Disease mechanism: loss of function.
Endometrial carcinoma. Also called: Endometrial carcinoma, somatic. Identifiers: MedGen C0476089, MONDO:0002447, OMIM 608089, HP:0012114.

Allele frequency attached by ClinVar (database versions not stated): ExAC 0.00001; gnomAD 0.00001; gnomAD exomes 0.00001; TOPMed 0.00001.
gnomAD v4.1: 12 of 1,614,032 alleles (0.00074%); highest among the groups gnomAD compares: East Asian, 0.0022%; no homozygotes.

Submissions (12):

Labcorp Genetics (formerly Invitae), Labcorp
Classification: Likely benign for Hereditary nonpolyposis colorectal neoplasms. Last evaluated: 2026-01-26. Review status: criteria provided, single submitter. Criteria: Invitae Variant Classification Sherloc (09022015). Collection method: clinical testing. Allele origin: germline.

All of Us Research Program, National Institutes of Health
Classification: Uncertain significance for Lynch syndrome. Last evaluated: 2024-08-13. Review status: criteria provided, single submitter. Criteria: ACMG Guidelines, 2015. Collection method: clinical testing. Allele origin: germline. Inheritance: Autosomal dominant inheritance. Observed: 1 variant allele, 1 heterozygote.
Comment: This missense variant replaces arginine with cysteine at codon 121 of the MSH6 protein. Computational prediction is inconclusive regarding the impact of this variant on protein structure and function (internally defined REVEL score threshold 0.5 < inconclusive < 0.7, PMID: 27666373). To our knowledge, functional studies have not been reported for this variant. This variant has been observed in two individuals affected with breast cancer (PMID: 26689913, 29684080). This variant has been identified in 3/282890 chromosomes in the general population by the Genome Aggregation Database (gnomAD). The available evidence is insufficient to determine the role of this variant in disease conclusively. Therefore, this variant is classified as a Variant of Uncertain Significance.

This study involves interpretation of variants in research participants for the purpose of population health screening. Participant phenotype was not available at the time of variant classification. Additional details can be found in publication PMID: 35346344, PMCID: PMC8962531

Color Diagnostics, LLC DBA Color Health
Classification: Uncertain significance for Hereditary cancer-predisposing syndrome. Last evaluated: 2024-07-24. Review status: criteria provided, single submitter. Criteria: ACMG Guidelines, 2015. Collection method: clinical testing. Allele origin: germline.
Comment: This missense variant replaces arginine with cysteine at codon 121 of the MSH6 protein. Computational prediction is inconclusive regarding the impact of this variant on protein structure and function (internally defined REVEL score threshold 0.5 < inconclusive < 0.7, PMID: 27666373). To our knowledge, functional studies have not been reported for this variant. This variant has been observed in two individuals affected with breast cancer (PMID: 26689913, 29684080). This variant has been identified in 3/282890 chromosomes in the general population by the Genome Aggregation Database (gnomAD). The available evidence is insufficient to determine the role of this variant in disease conclusively. Therefore, this variant is classified as a Variant of Uncertain Significance.

Ambry Genetics
Classification: Uncertain significance for Hereditary cancer-predisposing syndrome. Last evaluated: 2024-06-06. Review status: criteria provided, single submitter. Criteria: Ambry Variant Classification Scheme 2023. Collection method: clinical testing. Allele origin: germline.
Comment: The p.R121C variant (also known as c.361C>T), located in coding exon 2 of the MSH6 gene, results from a C to T substitution at nucleotide position 361. The arginine at codon 121 is replaced by cysteine, an amino acid with highly dissimilar properties. This amino acid position is highly conserved in available vertebrate species. In addition, the in silico prediction for this alteration is inconclusive. Based on the available evidence, the clinical significance of this variant remains unclear.

Baylor Genetics
Classification: Uncertain significance for Endometrial carcinoma. Last evaluated: 2024-01-22. Review status: criteria provided, single submitter. Criteria: ACMG Guidelines, 2015. Collection method: clinical testing. Allele origin: unknown.

CeGaT Center for Human Genetics Tuebingen
Classification: Uncertain significance. Last evaluated: 2023-06-01. Review status: criteria provided, single submitter. Criteria: CeGaT Center For Human Genetics Tuebingen Variant Classification Criteria Version 2. Collection method: clinical testing. Allele origin: germline. Affected: yes. Observed: 1 variant allele.
Comment: MSH6: PM2, BP1

Myriad Genetics, Inc.
Classification: Uncertain significance for Lynch syndrome 5. Last evaluated: 2023-03-28. Review status: criteria provided, single submitter. Criteria: Myriad Autosomal Dominant, Autosomal Recessive and X-Linked Classification Criteria (2023). Collection method: clinical testing. Allele origin: unknown.
Comment: This variant is classified as a variant of uncertain significance as there is insufficient evidence to determine its impact on protein function and/or cancer risk.

Institute for Clinical Genetics, University Hospital TU Dresden, University Hospital TU Dresden
Classification: Uncertain significance. Last evaluated: 2021-11-03. Review status: criteria provided, single submitter. Criteria: ACMG Guidelines, 2015. Collection method: clinical testing. Allele origin: germline.

GeneDx
Classification: Uncertain significance. Last evaluated: 2020-09-15. Review status: criteria provided, single submitter. Criteria: GeneDx Variant Classification Process June 2021. Collection method: clinical testing. Allele origin: germline. Affected: yes.
Comment: Not observed at a significant frequency in large population cohorts (Lek 2016); In silico analysis supports that this missense variant has a deleterious effect on protein structure/function; Observed in individuals with features of Cowden or Bannayan-Riley-Ruvalcaba syndrome (Yehia 2018); This variant is associated with the following publications: (PMID: 25848751, 29684080, 30225334, 27149842, 29625052)

Women's Health and Genetics/Laboratory Corporation of America, LabCorp
Classification: Uncertain significance. Last evaluated: 2019-10-08. Review status: criteria provided, single submitter. Criteria: LabCorp Variant Classification Summary - May 2015. Collection method: clinical testing. Allele origin: germline.
Comment: Variant summary: MSH6 c.361C>T (p.Arg121Cys) results in a non-conservative amino acid change located in the PWWP domain (IPR000313) of the encoded protein sequence. Four of five in-silico tools predict a damaging effect of the variant on protein function. The variant allele was found at a frequency of 8e-06 in 251490 control chromosomes (gnomAD). The available data on variant occurrences in the general population are insufficient to allow any conclusion about variant significance. c.361C>T has been reported in the literature in individuals affected with different types of cancer as germline or somatic variant (Lu_2015, Giannakis_2016, Wield_2018). These reports however, do not provide unequivocal conclusions about association of the variant with Lynch Syndrome. To our knowledge, no experimental evidence demonstrating an impact on protein function has been reported. Five ClinVar submitters (evaluation after 2014) cite this variant as uncertain significance. Based on the evidence outlined above, the variant was classified as uncertain significance.

Quest Diagnostics Nichols Institute San Juan Capistrano
Classification: Uncertain significance. Last evaluated: 2019-01-27. Review status: criteria provided, single submitter. Criteria: Quest Diagnostics criteria. Collection method: clinical testing. Allele origin: germline.

Counsyl
Classification: Uncertain significance for Lynch syndrome 5. Last evaluated: 2017-03-23. Review status: no assertion criteria provided. Collection method: clinical testing. Allele origin: unknown. Not counted in ClinVar's aggregate classification.

Literature cited by the submitters: PubMed 26689913 (cited by 3 submitters); PubMed 29684080 (cited by 3 submitters); PubMed 27760322 (cited by Women's Health and Genetics/Laboratory Corporation of America, LabCorp); PubMed 30225334 (cited by Women's Health and Genetics/Laboratory Corporation of America, LabCorp and Quest Diagnostics Nichols Institute San Juan Capistrano); PubMed 25848751 (cited by Quest Diagnostics Nichols Institute San Juan Capistrano).

NM_000179.3(MSH6):c.361C>T (p.Arg121Cys)

Gene: MSH6 (mutS homolog 6; plus strand). Cytogenetic location: 2p16.3.
Variant type: single nucleotide variant.
Coding change: c.361C>T on transcript NM_000179.3 (MANE Select); coding-DNA position 361, C replaced by T.
Protein change: p.Arg121Cys; replaces arginine 121 with cysteine.
Molecular consequence: missense variant. On other transcripts: 5 prime UTR variant (2), intron variant (1).
Genome position (GRCh38, 1-based): chr2:47,791,027, C>T. VCF-style: chr2-47791027-C-T. GRCh37 (hg19) VCF-style: chr2-48018166-C-T.
Other names: c.-376C>T (NM_001281493.2); c.-542C>T (NM_001281494.2); c.237+7557C>T (NM_001281492.2); short protein forms R121C.
Identifiers: ClinVar variation 219881 (VCV000219881.56), dbSNP rs763593669, ClinGen allele CA071503.